The following is an entry in ClinVar:

ClinVar aggregate classification (germline): Uncertain significance (1 of 4 stars; one submission).

Conditions:
Familial focal epilepsy with variable foci (FPEVF). Identifiers: Orphanet 98820, MedGen C1858477, MONDO:0020310.

Allele frequency attached by ClinVar (database versions not stated): gnomAD exomes below 0.00001.
gnomAD v4.1: 1 of 1,614,180 alleles (0.000062%); highest among the groups gnomAD compares: East Asian, 0.0022%; no homozygotes.

Submission:

Labcorp Genetics (formerly Invitae), Labcorp
Classification: Uncertain significance for Familial focal epilepsy with variable foci. Last evaluated: 2020-02-03. Review status: criteria provided, single submitter. Criteria: Invitae Variant Classification Sherloc (09022015). Collection method: clinical testing. Allele origin: germline.
Comment: In summary, the available evidence is currently insufficient to determine the role of this variant in disease. Therefore, it has been classified as a Variant of Uncertain Significance. Nucleotide substitutions within the consensus splice site are a relatively common cause of aberrant splicing (PMID: 17576681, 9536098). Algorithms developed to predict the effect of sequence changes on RNA splicing suggest that this variant may disrupt the consensus splice site, but this prediction has not been confirmed by published transcriptional studies. This variant has not been reported in the literature in individuals with DEPDC5-related conditions. This variant is not present in population databases (ExAC no frequency). This sequence change falls in intron 2 of the DEPDC5 gene. It does not directly change the encoded amino acid sequence of the DEPDC5 protein, but it affects a nucleotide within the consensus splice site of the intron.

Literature cited by the submitters: PubMed 17576681; PubMed 9536098.

NM_001242896.3(DEPDC5):c.58+6T>C

Gene: DEPDC5 (DEP domain containing 5, GATOR1 subcomplex subunit; plus strand). Cytogenetic location: 22q12.2.
Variant type: single nucleotide variant.
Coding change: c.58+6T>C on transcript NM_001242896.3 (MANE Select); 6 bases into the intron after coding-DNA position 58, T replaced by C.
Molecular consequence: intron variant.
Genome position (GRCh38, 1-based): chr22:31,754,985, T>C. VCF-style: chr22-31754985-T-C. GRCh37 (hg19) VCF-style: chr22-32150971-T-C.
Other names: c.58+6T>C (NM_001364318.2, NM_001136029.4, NM_014662.6 and 9 more transcripts).
Identifiers: ClinVar variation 1016735 (VCV001016735.7), dbSNP rs2075195526, ClinGen allele CA2401645234.